The following is an entry in ClinVar:

ClinVar aggregate classification (germline): Pathogenic (1 of 4 stars; one submission).

Submission:

Labcorp Genetics (formerly Invitae), Labcorp
Classification: Pathogenic. Last evaluated: 2023-06-29. Review status: criteria provided, single submitter. Criteria: Invitae Variant Classification Sherloc (09022015). Collection method: clinical testing. Allele origin: germline.
Comment: For these reasons, this variant has been classified as Pathogenic. This premature translational stop signal has been observed in individual(s) with Usher syndrome (PMID: 30459346). This variant is not present in population databases (gnomAD no frequency). This sequence change creates a premature translational stop signal (p.Trp5629*) in the ADGRV1 gene. It is expected to result in an absent or disrupted protein product. Loss-of-function variants in ADGRV1 are known to be pathogenic (PMID: 19357117, 22135276, 22147658, 26226137, 30718709, 31047384, 32467589).

Literature cited by the submitters: PubMed 30459346; PubMed 19357117; PubMed 22135276; PubMed 22147658; PubMed 26226137; PubMed 30718709; PubMed 31047384; PubMed 32467589.

NM_032119.4(ADGRV1):c.16886_16887insA (p.Trp5629Ter)

Gene: ADGRV1 (adhesion G protein-coupled receptor V1; plus strand). Cytogenetic location: 5q14.3.
Variant type: Insertion.
Coding change: c.16886_16887insA on transcript NM_032119.4 (MANE Select); coding-DNA positions 16886 to 16887, A inserted.
Protein change: p.Trp5629Ter; replaces tryptophan 5629 with a stop codon.
Molecular consequence: nonsense. On other transcripts: non-coding transcript variant (1).
Genome position: GRCh38 VCF-style: chr5-90840852-G-GA. GRCh37 (hg19) VCF-style: chr5-90136669-G-GA.
Other names: short protein forms W5629*.
Identifiers: ClinVar variation 2733134 (VCV002733134.3), dbSNP rs2532441399, ClinGen allele CA2697546259.